The following is an entry in ClinVar:

ClinVar aggregate classification (germline): Likely pathogenic (1 of 4 stars; one submission).

Conditions:
Severe combined immunodeficiency disease. Also called: Severe Combined Immune Deficiency; Severe combined immunodeficiency. Identifiers: Orphanet 183660, MedGen C0085110, MeSH D016511, MONDO:0015974, HP:0004430. Inheritance: X-Linked or Autosomal recessive.

Submission:

Women's Health and Genetics/Laboratory Corporation of America, LabCorp
Classification: Likely pathogenic for Severe combined immunodeficiency disease. Last evaluated: 2016-08-24. Review status: criteria provided, single submitter. Criteria: LabCorp Variant Classification Summary - May 2015. Collection method: clinical testing. Allele origin: germline.
Comment: Variant summary: The JAK3 c.2683_2704delCGCCAGAGCCTGCGGCTGGTCA (p.Arg895TrpfsX69) variant involves the deletion of 22 nucleotides, predicted to cause a truncated or absent JAK3 protein due to nonsense mediated decay, which are commonly known mechanisms for disease. Truncations downstream of this position have been classified as likely pathogenic by our laboratory (e.g. c.2787T>G/p.Tyr929X, c.3072delC/p.Cys1024fsX14). One in silico tool predicts a damaging outcome for this variant. 5/5 splice prediction tools predict no significant impact on normal splicing. ESE finder predicts that this variant may affect multiple ESE sites. However, these predictions have yet to be confirmed by functional studies. The variant of interest has not, to our knowledge, been reported in affected individuals via publications and/or reputable databases/clinical diagnostic laboratories; nor evaluated for functional impact by in vivo/vitro studies. Taken together, this variant is classified as likely pathogenic unitl more information becomes available.

NM_000215.4(JAK3):c.2683_2704del (p.Arg895fs)

Gene: JAK3 (Janus kinase 3; minus strand). Cytogenetic location: 19p13.11.
Variant type: Deletion.
Coding change: c.2683_2704del on transcript NM_000215.4 (MANE Select); coding-DNA positions 2683 to 2704, 22 bases deleted (CGCCAGAGCCTGCGGCTGGTCA).
Protein change: p.Arg895fs; shifts the reading frame from arginine 895.
Molecular consequence: frameshift variant.
Genome position (GRCh38, 1-based): chr19:17,831,775-17,831,796, TGACCAGCCGCAGGCTCTGGCG deleted on the plus strand (CGCCAGAGCCTGCGGCTGGTCA on the coding strand, the reverse complement: JAK3 is on the minus strand). VCF-style (leftmost placement, unchanged base first): chr19-17831774-ATGACCAGCCGCAGGCTCTGGCG-A. GRCh37 (hg19) VCF-style: chr19-17942583-ATGACCAGCCGCAGGCTCTGGCG-A.
Other names: c.2683_2704delCGCCAGAGCCTGCGGCTGGTCA (NM_000215.3); c.2683_2704del22 (NM_000215.3); short protein forms R895fs.
Identifiers: ClinVar variation 495737 (VCV000495737.2), dbSNP rs1555743321, ClinGen allele CA658684227.